The following is an entry in ClinVar:

NM_001366385.1(CARD14):c.1352_1353del (p.Thr451fs)

Gene: CARD14 (caspase recruitment domain family member 14; plus strand). Cytogenetic location: 17q25.3.
Variant type: Microsatellite.
Coding change: c.1352_1353del on transcript NM_001366385.1 (MANE Select); coding-DNA positions 1352 to 1353, 2 bases deleted (CA; older notation c.1352_1353delCA).
Protein change: p.Thr451fs; shifts the reading frame from threonine 451.
Molecular consequence: frameshift variant. On other transcripts: non-coding transcript variant (1).
Genome position (GRCh38, 1-based): chr17:80,192,615-80,192,616, CA deleted; deleting any 2 consecutive bases within chr17:80,192,613-80,192,616 gives the same sequence; the c. name uses the placement nearest the transcript's 3' end. VCF-style (leftmost placement, unchanged base first): chr17-80192612-CCA-C. GRCh37 (hg19) VCF-style: chr17-78166411-CCA-C.
Other names: c.1352_1353del, p.Thr451fs (NM_001257970.1, NM_024110.4); c.641_642del, p.Thr214fs (NM_052819.3); short protein forms T214fs, T451fs.
Identifiers: ClinVar variation 2134917 (VCV002134917.4), dbSNP rs2510651901, ClinGen allele CA2580613257.

ClinVar aggregate classification (germline): Uncertain significance (1 of 4 stars; one submission).

Conditions:
Pityriasis rubra pilaris (PRP). Also called: Pityriasis rubra pilaris--familial type. Identifiers: Orphanet 2897, MedGen C0032027, MONDO:0100017, OMIM 173200, MONDO:0008251.
Psoriasis 2. Identifiers: MedGen C1864497, MONDO:0011269, OMIM 602723.

Submission:

Labcorp Genetics (formerly Invitae), Labcorp
Classification: Uncertain significance for Pityriasis rubra pilaris; Psoriasis 2. Last evaluated: 2022-06-22. Review status: criteria provided, single submitter. Criteria: Invitae Variant Classification Sherloc (09022015). Collection method: clinical testing. Allele origin: germline.
Comment: Experimental studies and prediction algorithms are not available or were not evaluated, and the functional significance of this variant is currently unknown. This variant has not been reported in the literature in individuals affected with CARD14-related conditions. This variant is not present in population databases (gnomAD no frequency). This sequence change creates a premature translational stop signal (p.Thr451Argfs*66) in the CARD14 gene. It is expected to result in an absent or disrupted protein product. However, the current clinical and genetic evidence is not sufficient to establish whether loss-of-function variants in CARD14 cause disease. In summary, the available evidence is currently insufficient to determine the role of this variant in disease. Therefore, it has been classified as a Variant of Uncertain Significance.